The following is an entry in ClinVar:

NM_000169.3(GLA):c.122C>G (p.Thr41Ser)

Genes: GLA (galactosidase alpha; minus strand), RPL36A-HNRNPH2 (RPL36A-HNRNPH2 readthrough; plus strand). Cytogenetic location: Xq22.1.
Variant type: single nucleotide variant.
Coding change: c.122C>G on transcript NM_000169.3 (MANE Select); coding-DNA position 122, C replaced by G.
Protein change: p.Thr41Ser; replaces threonine 41 with serine.
Molecular consequence: missense variant. On other transcripts: non-coding transcript variant (3), intron variant (2).
Genome position (GRCh38, 1-based): chrX:101,407,782, G>C on the plus strand (C>G on the coding strand, the complement: GLA is on the minus strand). VCF-style: chrX-101407782-G-C. GRCh37 (hg19) VCF-style: chrX-100662770-G-C.
Other names: c.122C>G, p.Thr41Ser (NM_001406747.1, NM_001406748.1, NM_001406749.1); c.301-4154G>C (NM_001199973.2); c.178-4154G>C (NM_001199974.2); short protein forms T41S.
Identifiers: ClinVar variation 222168 (VCV000222168.30), dbSNP rs782362194, ClinGen allele CA029760.
Genomic context (GRCh38, chrX:101,407,782, plus strand): 5'-TCTGGCTCTTCCTGGCAGTCAAGGTTGCACATGAAGCGCTCCCAGTGCAGCCAGCCCATG[G>C]TAGGCGTCCTTGCCAATCCATTGTCCAGTGCTCTAGCCCCAGGGATGTCCCAGGAAACGA-3'
Protein context (NP_000160.1, residues 31-51): ALDNGLARTP[Thr41Ser]MGWLHWERFM

ClinVar aggregate classification (germline): Uncertain significance. Review status: criteria provided, multiple submitters, no conflicts (2 of 4 stars). 7 submissions from 7 submitters: Uncertain significance (7). Last evaluated 2026-09-08.

Conditions:
Fabry disease. Also called: GLA DEFICIENCY; HEREDITARY DYSTOPIC LIPIDOSIS; Fabry's disease; Angiokeratoma corporis diffusum; Ceramide trihexosidosis; ALPHA-GALACTOSIDASE A DEFICIENCY. Identifiers: Orphanet 324, MedGen C0002986, MONDO:0010526, OMIM 301500, HP:0001071. Disease mechanism: loss of function, Fabry disease is due to inactivating mutations in the X-linked GLA gene resulting in deficiency of the enzyme Alpha Galactosidase-A..
Cardiovascular phenotype. Identifiers: MedGen CN230736.

Allele frequency attached by ClinVar (database versions not stated): TOPMed below 0.00001; gnomAD exomes 0.00001 and 0.00002; ExAC 0.00003.
gnomAD v4.1: 10 of 1,211,338 alleles (0.00083%); highest among the groups gnomAD compares: Admixed American, 0.0087%; no homozygotes.

Submissions (7):

Genomenon, Inc
Classification: Uncertain significance for Fabry disease. Last evaluated: 2026-09-08. Review status: criteria provided, single submitter. Criteria: Genomenon Sequence Variant Interpretation Standards - Updated. Collection method: curation. Allele origin: germline. Affected: no.
Comment: GLA p.Thr41Ser (c.122C>G) is a missense variant that changes the amino acid at codon 41 from Threonine to Serine. This variant has been reported in the published literature (PMID:39620496;32802993). Functional or patient cell studies have been reported (PMID:32802993;39620496). This variant is located in a mutational hotspot and/or important functional domain. It is absent or not present at a significant frequency in gnomAD. In silico models predict that this variant is possibly or probably damaging. In conclusion, we classify GLA p.Thr41Ser (c.122C>G) as a variant of uncertain significance.

Molecular Diagnostic Laboratory for Inherited Cardiovascular Disease, Montreal Heart Institute
Classification: Uncertain significance for Cardiovascular phenotype. Last evaluated: 2026-03-27. Review status: criteria provided, single submitter. Criteria: ACMG Guidelines, 2015. Collection method: clinical testing. Allele origin: germline. Affected: yes.
Comment: PS4_supp, PM2, PP2, PP4

Color Diagnostics, LLC DBA Color Health
Classification: Uncertain significance for Fabry disease. Last evaluated: 2025-06-11. Review status: criteria provided, single submitter. Criteria: ACMG Guidelines, 2015. Collection method: clinical testing. Allele origin: germline.
Comment: This missense variant replaces threonine with serine at codon 41 of the GLA protein. Computational prediction suggests that this variant may have a deleterious impact on protein structure and function. To our knowledge, functional studies have not been reported for this variant. This variant has not been reported in individuals affected with GLA-related disorders in the literature. This variant has been identified in 4/183437 chromosomes in the general population by the Genome Aggregation Database (gnomAD). The available evidence is insufficient to determine the role of this variant in disease conclusively. Therefore, this variant is classified as a Variant of Uncertain Significance.

Ambry Genetics
Classification: Uncertain significance for Cardiovascular phenotype. Last evaluated: 2023-06-02. Review status: criteria provided, single submitter. Criteria: Ambry Variant Classification Scheme 2023. Collection method: clinical testing. Allele origin: germline.
Comment: The p.T41S variant (also known as c.122C>G), located in coding exon 1 of the GLA gene, results from a C to G substitution at nucleotide position 122. The threonine at codon 41 is replaced by serine, an amino acid with similar properties. Based on data from gnomAD, the G allele has an overall frequency of 0.002% (4/183437) total alleles studied, with 1 hemizygote observed. The highest observed frequency was 0.015% (4/27430) of Latino/Admixed American alleles. This amino acid position is not well conserved in available vertebrate species. In addition, the in silico prediction for this alteration is inconclusive. Since supporting evidence is limited at this time, the clinical significance of this alteration remains unclear.

Labcorp Genetics (formerly Invitae), Labcorp
Classification: Uncertain significance for Fabry disease. Last evaluated: 2022-08-23. Review status: criteria provided, single submitter. Criteria: Invitae Variant Classification Sherloc (09022015). Collection method: clinical testing. Allele origin: germline.
Comment: This sequence change replaces threonine, which is neutral and polar, with serine, which is neutral and polar, at codon 41 of the GLA protein (p.Thr41Ser). This variant is present in population databases (rs782362194, gnomAD 0.02%). This variant has not been reported in the literature in individuals affected with GLA-related conditions. ClinVar contains an entry for this variant (Variation ID: 222168). Algorithms developed to predict the effect of missense changes on protein structure and function are either unavailable or do not agree on the potential impact of this missense change (SIFT: "Tolerated"; PolyPhen-2: "Possibly Damaging"; Align-GVGD: "Class C15"). In summary, the available evidence is currently insufficient to determine the role of this variant in disease. Therefore, it has been classified as a Variant of Uncertain Significance.

Fulgent Genetics
Classification: Uncertain significance for Fabry disease. Last evaluated: 2022-04-01. Review status: criteria provided, single submitter. Criteria: ACMG Guidelines, 2015. Collection method: clinical testing. Allele origin: unknown.

Revvity Omics, Revvity
Classification: Uncertain significance. Last evaluated: 2022-01-14. Review status: criteria provided, single submitter. Criteria: ACMG Guidelines, 2015. Collection method: clinical testing. Allele origin: germline.

Literature cited by the submitters: PubMed 39620496 (cited by Genomenon, Inc); PubMed 32802993 (cited by Genomenon, Inc and Ambry Genetics); PubMed 16595074 (cited by Ambry Genetics).